The following is an entry in ClinVar:

ClinVar aggregate classification (germline): Uncertain significance (1 of 4 stars; one submission).

Allele frequency attached by ClinVar (database versions not stated): gnomAD exomes below 0.00001.

Submission:

Labcorp Genetics (formerly Invitae), Labcorp
Classification: Uncertain significance. Last evaluated: 2025-10-20. Review status: criteria provided, single submitter. Criteria: Invitae Variant Classification Sherloc (09022015). Collection method: clinical testing. Allele origin: germline.
Comment: This sequence change replaces serine, which is neutral and polar, with asparagine, which is neutral and polar, at codon 408 of the ERCC3 protein (p.Ser408Asn). This variant is not present in population databases (gnomAD no frequency). This variant has not been reported in the literature in individuals affected with ERCC3-related conditions. ClinVar contains an entry for this variant (Variation ID: 1420109). Invitae Evidence Modeling of protein sequence and biophysical properties (such as structural, functional, and spatial information, amino acid conservation, physicochemical variation, residue mobility, and thermodynamic stability) indicates that this missense variant is expected to disrupt ERCC3 protein function with a positive predictive value of 80%. In summary, the available evidence is currently insufficient to determine the role of this variant in disease. Therefore, it has been classified as a Variant of Uncertain Significance.

NM_000122.2(ERCC3):c.1223G>A (p.Ser408Asn)

Gene: ERCC3 (ERCC excision repair 3, TFIIH core complex helicase subunit; minus strand). Cytogenetic location: 2q14.3.
Variant type: single nucleotide variant.
Coding change: c.1223G>A on transcript NM_000122.2 (MANE Select); coding-DNA position 1223, G replaced by A.
Protein change: p.Ser408Asn; replaces serine 408 with asparagine.
Molecular consequence: missense variant.
Genome position (GRCh38, 1-based): chr2:127,286,822, C>T on the plus strand (G>A on the coding strand, the complement: ERCC3 is on the minus strand). VCF-style: chr2-127286822-C-T. GRCh37 (hg19) VCF-style: chr2-128044398-C-T.
Other names: c.1031G>A, p.Ser344Asn (NM_001303416.2, NM_001303418.2); short protein forms S344N, S408N.
Identifiers: ClinVar variation 1420109 (VCV001420109.8), dbSNP rs1685083340, ClinGen allele CA348389741.